The following is an entry in ClinVar:

ClinVar aggregate classification (germline): Likely benign (1 of 4 stars; one submission).

Allele frequency attached by ClinVar (database versions not stated): 1000 Genomes Project 0.00100; 1000 Genomes Project 30x 0.00125; gnomAD 0.00276; ExAC 0.00292; TOPMed 0.00331; ESP Exome Variant Server 0.00377.
gnomAD v4.1: 6,159 of 1,612,674 alleles (0.38%); highest among the groups gnomAD compares: Middle Eastern, 0.53%; 17 homozygotes.

Submission:

CeGaT Center for Human Genetics Tuebingen
Classification: Likely benign. Last evaluated: 2023-02-01. Review status: criteria provided, single submitter. Criteria: CeGaT Center For Human Genetics Tuebingen Variant Classification Criteria Version 2. Collection method: clinical testing. Allele origin: germline. Affected: yes. Observed: 1 variant allele.
Comment: DTL: BP4, BP7, BS2

NM_016448.4(DTL):c.87G>A (p.Leu29=)

Gene: DTL (denticleless E3 ubiquitin protein ligase adapter; plus strand). Cytogenetic location: 1q32.3.
Variant type: single nucleotide variant.
Coding change: c.87G>A on transcript NM_016448.4 (MANE Select); coding-DNA position 87, G replaced by A.
Protein change: p.Leu29=; no amino-acid change (leucine 29 retained).
Molecular consequence: synonymous variant. On other transcripts: intron variant (2).
Genome position (GRCh38, 1-based): chr1:212,043,027, G>A. VCF-style: chr1-212043027-G-A. GRCh37 (hg19) VCF-style: chr1-212216369-G-A.
Other names: c.53-1633G>A (NM_001286230.2); c.-531-1633G>A (NM_001286229.2).
Identifiers: ClinVar variation 2639883 (VCV002639883.24), dbSNP rs144020812, ClinGen allele CA1382850.
Genomic context (GRCh38, chr1:212,043,027, plus strand): 5'-TTCTATAAGGAATTATCTTGTTTTAGGATGGTCTTCACAATACCCTCTTCAATCCCTTCT[G>A]ACTGGTTATCAGTGCAGTGGTAATGATGAACACACTTCTTATGGAGAAACAGGAGTCCCA-3'
Protein context (NP_057532.4, residues 19-39): WSSQYPLQSL[Leu29=]TGYQCSGNDE